The following is an entry in ClinVar:

ClinVar aggregate classification (germline): Uncertain significance. Review status: criteria provided, multiple submitters, no conflicts (2 of 4 stars). 2 submissions from 2 submitters: Uncertain significance (2). Last evaluated 2026-07-07.

Conditions:
Tuberous sclerosis 2 (TSC2). Identifiers: Orphanet 805, MedGen C1860707, MONDO:0013199, OMIM 613254.
Hereditary cancer-predisposing syndrome. Also called: Hereditary Cancer Syndrome; Hereditary neoplastic syndrome; Neoplastic Syndromes, Hereditary; Tumor predisposition. Identifiers: Orphanet 140162, MedGen C0027672, MeSH D009386, MONDO:0015356.

Submissions (2):

Ambry Genetics
Classification: Uncertain significance for Hereditary cancer-predisposing syndrome. Last evaluated: 2026-07-07. Review status: criteria provided, single submitter. Criteria: Ambry Variant Classification Scheme 2023. Collection method: clinical testing. Allele origin: germline.
Comment: The p.G1494D variant (also known as c.4481G>A), located in coding exon 33 of the TSC2 gene, results from a G to A substitution at nucleotide position 4481. The glycine at codon 1494 is replaced by aspartic acid, an amino acid with similar properties. This amino acid position is highly conserved in available vertebrate species. In addition, this alteration is predicted to be deleterious by in silico analysis. Based on the available evidence, the clinical significance of this variant remains unclear.

Labcorp Genetics (formerly Invitae), Labcorp
Classification: Uncertain significance for Tuberous sclerosis 2. Last evaluated: 2025-05-08. Review status: criteria provided, single submitter. Criteria: Invitae Variant Classification Sherloc (09022015). Collection method: clinical testing. Allele origin: germline.
Comment: This sequence change replaces glycine, which is neutral and non-polar, with aspartic acid, which is acidic and polar, at codon 1494 of the TSC2 protein (p.Gly1494Asp). This variant is not present in population databases (gnomAD no frequency). This variant has not been reported in the literature in individuals affected with TSC2-related conditions. ClinVar contains an entry for this variant (Variation ID: 1740917). Invitae Evidence Modeling of protein sequence and biophysical properties (such as structural, functional, and spatial information, amino acid conservation, physicochemical variation, residue mobility, and thermodynamic stability) indicates that this missense variant is not expected to disrupt TSC2 protein function with a negative predictive value of 95%. In summary, the available evidence is currently insufficient to determine the role of this variant in disease. Therefore, it has been classified as a Variant of Uncertain Significance.

NM_000548.5(TSC2):c.4481G>A (p.Gly1494Asp)

Gene: TSC2 (TSC complex subunit 2; plus strand). Cytogenetic location: 16p13.3.
Variant type: single nucleotide variant.
Coding change: c.4481G>A on transcript NM_000548.5 (MANE Select); coding-DNA position 4481, G replaced by A.
Protein change: p.Gly1494Asp; replaces glycine 1494 with aspartic acid.
Molecular consequence: missense variant.
Genome position (GRCh38, 1-based): chr16:2,084,703, G>A. VCF-style: chr16-2084703-G-A. GRCh37 (hg19) VCF-style: chr16-2134704-G-A.
Other names: c.4280G>A, p.Gly1427Asp (NM_001077183.3); c.4412G>A, p.Gly1471Asp (NM_001114382.3); c.4172G>A, p.Gly1391Asp (NM_001318827.2); c.4136G>A, p.Gly1379Asp (NM_001318829.2); c.4301G>A, p.Gly1434Asp (NM_001406670.1); c.4271G>A, p.Gly1424Asp (NM_001406671.1); c.4268G>A, p.Gly1423Asp (NM_001406673.1); c.4265G>A, p.Gly1422Asp (NM_001406675.1); and 26 more; short protein forms G1003D, G1270D, G1390D, G1423D, G1424D, G1450D, G1451D, G1457D.
Identifiers: ClinVar variation 1740917 (VCV001740917.4), dbSNP rs2544291203, ClinGen allele CA394302569.
Genomic context (GRCh38, chr16:2,084,703, plus strand): 5'-GAGTAGAGAGGGACGCCTTAAAGAGCAGAGCCACAGCCTCCAATGCAGAGAAAGTGCCAG[G>A]CATCAACCCCAGGTGGGCCTCTTGCTTCCGGGCGGGGCTCCTGACACCTCTCCTGCGGGA-3'
Protein context (NP_000539.2, residues 1484-1504): ATASNAEKVP[Gly1494Asp]INPSFVFLQL